The following is an entry in ClinVar:

ClinVar aggregate classification (germline): Pathogenic. Review status: criteria provided, multiple submitters, no conflicts (2 of 4 stars). 2 submissions from 2 submitters: Pathogenic (2). Last evaluated 2024-11-13.

Conditions:
Nemaline myopathy. Also called: Myopathies, Nemaline. Identifiers: Orphanet 607, MedGen C0206157, MONDO:0018958.
Nemaline myopathy 2 (NEM2). Also called: Nemaline myopathy 2, autosomal recessive. Identifiers: MedGen C1850569, MONDO:0009725, OMIM 256030.

Submissions (2):

Myriad Genetics, Inc.
Classification: Pathogenic for Nemaline myopathy 2. Last evaluated: 2024-11-13. Review status: criteria provided, single submitter. Criteria: Myriad Autosomal Dominant, Autosomal Recessive and X-Linked Classification Criteria (2023). Collection method: clinical testing. Allele origin: unknown.
Comment: NM_001271208.1(NEB):c.23560C>T(Q7854*) is expected to be pathogenic in the context of NEB-related nemaline myopathy. This variant is predicted to lead to an abnormal or absent protein product due to the creation of a premature termination codon in NEB, a gene where loss-of-function variants are known to be pathogenic. Please note: this variant was assessed in the context of healthy population screening.

Women's Health and Genetics/Laboratory Corporation of America, LabCorp
Classification: Pathogenic for Nemaline myopathy. Last evaluated: 2023-12-14. Review status: criteria provided, single submitter. Criteria: LabCorp Variant Classification Summary - May 2015. Collection method: clinical testing. Allele origin: germline.
Comment: Variant summary: NEB c.23560C>T (p.Gln7854X) results in a premature termination codon, predicted to cause a truncation of the encoded protein or absence of the protein due to nonsense mediated decay, which are commonly known mechanisms for disease. The variant was absent in 248528 control chromosomes. To our knowledge, no occurrence of c.23560C>T in individuals affected with Nemaline Myopathy 2 and no experimental evidence demonstrating its impact on protein function have been reported. No submitters have cited clinical-significance assessments for this variant to ClinVar after 2014. Based on the evidence outlined above, the variant was classified as pathogenic.

NM_001164508.2(NEB):c.23455C>T (p.Gln7819Ter)

Genes: NEB (nebulin; minus strand), RIF1 (replication timing regulatory factor 1; plus strand). Cytogenetic location: 2q23.3.
Variant type: single nucleotide variant.
Coding change: c.23455C>T on transcript NM_001164508.2 (MANE Select); coding-DNA position 23455, C replaced by T.
Protein change: p.Gln7819Ter; replaces glutamine 7819 with a stop codon.
Molecular consequence: nonsense.
Genome position (GRCh38, 1-based): chr2:151,507,010, G>A on the plus strand (C>T on the coding strand, the complement: NEB is on the minus strand). VCF-style: chr2-151507010-G-A. GRCh37 (hg19) VCF-style: chr2-152363524-G-A.
Other names: c.23455C>T, p.Gln7819Ter (NM_001164507.2); c.23560C>T, p.Gln7854Ter (NM_001271208.2); c.18352C>T, p.Gln6118Ter (NM_004543.5); short protein forms Q6118*, Q7819*, Q7854*.
Identifiers: ClinVar variation 2691694 (VCV002691694.2), dbSNP rs2552010325, ClinGen allele CA348784878.